The following is an entry in ClinVar:

ClinVar aggregate classification (germline): Benign/Likely benign. Review status: criteria provided, multiple submitters, no conflicts (2 of 4 stars). 2 submissions from 2 submitters: Benign (1); Likely benign (1). Last evaluated 2025-04-29.

Allele frequency attached by ClinVar (database versions not stated): gnomAD exomes 0.00002; TOPMed 0.00005.
gnomAD v4.1: 36 of 1,613,962 alleles (0.0022%); highest among the groups gnomAD compares: East Asian, 0.031%; no homozygotes.

Submissions (2):

Athena Diagnostics
Classification: Benign. Last evaluated: 2025-04-29. Review status: criteria provided, single submitter. Criteria: Athena Diagnostics Criteria. Collection method: clinical testing. Allele origin: unknown.
Comment: The frequency of this variant in the general population is higher than would generally be expected for pathogenic variants in this gene. Computational tools yielded predictions that this variant is unlikely to have an effect on normal RNA splicing. This nucleotide position exhibits low evolutionary conservation. This variant has been seen where an alternate explanation for disease was also identified.

CeGaT Center for Human Genetics Tuebingen
Classification: Likely benign. Last evaluated: 2022-09-01. Review status: criteria provided, single submitter. Criteria: CeGaT Center For Human Genetics Tuebingen Variant Classification Criteria Version 2. Collection method: clinical testing. Allele origin: germline. Affected: yes. Observed: 1 variant allele.
Comment: SLC1A3: BP4, BP7

NM_004172.5(SLC1A3):c.1176C>T (p.Pro392=)

Genes: SLC1A3 (solute carrier family 1 member 3; plus strand), SLC1A3-AS1 (SLC1A3 antisense RNA 1; minus strand). Cytogenetic location: 5p13.2.
Variant type: single nucleotide variant.
Coding change: c.1176C>T on transcript NM_004172.5 (MANE Select); coding-DNA position 1176, C replaced by T.
Protein change: p.Pro392=; no amino-acid change (proline 392 retained).
Molecular consequence: synonymous variant.
Genome position (GRCh38, 1-based): chr5:36,680,476, C>T. VCF-style: chr5-36680476-C-T. GRCh37 (hg19) VCF-style: chr5-36680578-C-T.
Other names: c.1176C>T, p.Pro392= (NM_001166695.3); c.1038C>T, p.Pro346= (NM_001289939.2); c.840C>T, p.Pro280= (NM_001289940.2); c.1176C>T (NM_004172.4).
Identifiers: ClinVar variation 2655408 (VCV002655408.24), dbSNP rs530745234, ClinGen allele CA3235624.